The following is an entry in ClinVar:

NM_001365951.3(KIF1B):c.2115+5920G>A

Gene: KIF1B (kinesin family member 1B; plus strand). Cytogenetic location: 1p36.22.
Variant type: single nucleotide variant.
Coding change: c.2115+5920G>A on transcript NM_001365951.3 (MANE Select); 5920 bases into the intron after coding-DNA position 2115, G replaced by A.
Molecular consequence: intron variant. On other transcripts: missense variant (2).
Genome position (GRCh38, 1-based): chr1:10,303,166, G>A. VCF-style: chr1-10303166-G-A. GRCh37 (hg19) VCF-style: chr1-10363224-G-A.
Other names: c.1981G>A, p.Ala661Thr (NM_001365953.1, NM_183416.4); c.1977+5920G>A (NM_015074.3); c.2115+5920G>A (NM_001365952.1); short protein forms A661T.
Identifiers: ClinVar variation 4072243 (VCV004072243.1).

ClinVar aggregate classification (germline): Uncertain significance (1 of 4 stars; one submission).

Conditions:
Charcot-Marie-Tooth disease type 2A1. Also called: CHARCOT-MARIE-TOOTH DISEASE, AXONAL, TYPE 2A1; CHARCOT-MARIE-TOOTH DISEASE, AXONAL, AUTOSOMAL DOMINANT, TYPE 2A1; CHARCOT-MARIE-TOOTH DISEASE, NEURONAL, TYPE 2A1; CHARCOT-MARIE-TOOTH NEUROPATHY, TYPE 2A1; HEREDITARY MOTOR AND SENSORY NEUROPATHY IIA1. Identifiers: Orphanet 99946, MedGen C1861678, MONDO:0007308, OMIM 118210.

gnomAD v4.1: 44 of 1,611,210 alleles (0.0027%); highest among the groups gnomAD compares: Admixed American, 0.034%; no homozygotes.

Submission:

Next Generation Genetic Polyclinic
Classification: Uncertain significance for Charcot-Marie-Tooth disease type 2A1. Last evaluated: 2025-03-05. Review status: criteria provided, single submitter. Criteria: ACMG Guidelines, 2015. Collection method: clinical testing. Allele origin: inherited. Affected: yes.
Comment: Our classification of this variant is based on the ACMG guidelines, incorporating multiple lines of evidence. The variant is extremely rare or absent in population databases, aligning with the proband’s clinical phenotype.